The following is an entry in ClinVar:

NC_000007.13:g.(?_23205563)_(23284243_?)del

Genes: KLHL7 (kelch like family member 7; plus strand), NUP42 (nucleoporin 42; plus strand). Cytogenetic location: 7p15.3.
Variant type: Deletion.
Identifiers: ClinVar variation 3245859 (VCV003245859.1).

ClinVar aggregate classification (germline): Uncertain significance (1 of 4 stars; one submission).

Submission:

Labcorp Genetics (formerly Invitae), Labcorp
Classification: Uncertain significance. Last evaluated: 2023-08-30. Review status: criteria provided, single submitter. Criteria: Invitae Variant Classification Sherloc (09022015). Collection method: clinical testing. Allele origin: unknown.
Comment: This variant is a gross deletion of the genomic region encompassing exon(s) 9-11 of the KLHL7 gene, which includes the termination codon. This deletion extends beyond the assayed region for this gene and therefore may encompass additional genes. While this deletion is not anticipated to lead to nonsense mediated decay, it is expected to alter mRNA translation or result in a truncated protein product. In summary, the available evidence is currently insufficient to determine the role of this variant in disease. Therefore, it has been classified as a Variant of Uncertain Significance. This variant disrupts a region of the KLHL7 protein in which other variant(s) (p.Arg420Cys) have been observed in individuals with KLHL7-related conditions (PMID: 27392078, 31230720). This suggests that this is a clinically significant region of the protein, and that variants that disrupt it are likely to be disease-causing. This variant has not been reported in the literature in individuals affected with KLHL7-related conditions.

Literature cited by the submitters: PubMed 27392078; PubMed 31230720.